The following is an entry in ClinVar:

ClinVar aggregate classification (germline): Uncertain significance. Review status: criteria provided, multiple submitters, no conflicts (2 of 4 stars). 2 submissions from 2 submitters: Uncertain significance (2). Last evaluated 2025-11-04.

Submissions (2):

Labcorp Genetics (formerly Invitae), Labcorp
Classification: Uncertain significance. Last evaluated: 2025-11-04. Review status: criteria provided, single submitter. Criteria: Invitae Variant Classification Sherloc (09022015). Collection method: clinical testing. Allele origin: germline.
Comment: This sequence change replaces valine, which is neutral and non-polar, with alanine, which is neutral and non-polar, at codon 21 of the RELA protein (p.Val21Ala). This variant is not present in population databases (gnomAD no frequency). This variant has not been reported in the literature in individuals affected with RELA-related conditions. ClinVar contains an entry for this variant (Variation ID: 3152892). An algorithm developed to predict the effect of missense changes on protein structure and function (PolyPhen-2) suggests that this variant is likely to be disruptive. In summary, the available evidence is currently insufficient to determine the role of this variant in disease. Therefore, it has been classified as a Variant of Uncertain Significance.

Ambry Genetics
Classification: Uncertain significance. Last evaluated: 2023-12-08. Review status: criteria provided, single submitter. Criteria: Ambry Variant Classification Scheme 2023. Collection method: clinical testing. Allele origin: germline.

NM_021975.4(RELA):c.62T>C (p.Val21Ala)

Gene: RELA (RELA proto-oncogene, NF-kB subunit; minus strand). Cytogenetic location: 11q13.1.
Variant type: single nucleotide variant.
Coding change: c.62T>C on transcript NM_021975.4 (MANE Select); coding-DNA position 62, T replaced by C.
Protein change: p.Val21Ala; replaces valine 21 with alanine.
Molecular consequence: missense variant. On other transcripts: 5 prime UTR variant (3).
Genome position (GRCh38, 1-based): chr11:65,662,061, A>G on the plus strand (T>C on the coding strand, the complement: RELA is on the minus strand). VCF-style: chr11-65662061-A-G. GRCh37 (hg19) VCF-style: chr11-65429532-A-G.
Other names: c.62T>C, p.Val21Ala (NM_001145138.2, NM_001243984.2, NM_001243985.2 and 3 more transcripts); c.35T>C, p.Val12Ala (NM_001404658.1); c.-228T>C (NM_001404661.1); c.-32T>C (NM_001404662.1, NM_001404663.1); short protein forms V12A, V21A.
Identifiers: ClinVar variation 3152892 (VCV003152892.2), dbSNP rs2496870169, ClinGen allele CA381395075.